The following is an entry in ClinVar:

NM_001282876.2(TMEM139):c.245G>A (p.Arg82Gln)

Genes: TMEM139 (transmembrane protein 139; plus strand), TMEM139-AS1 (TMEM139 antisense RNA 1; minus strand). Cytogenetic location: 7q34.
Variant type: single nucleotide variant.
Coding change: c.245G>A on transcript NM_001282876.2 (MANE Select); coding-DNA position 245, G replaced by A.
Protein change: p.Arg82Gln; replaces arginine 82 with glutamine.
Molecular consequence: missense variant. On other transcripts: non-coding transcript variant (1).
Genome position (GRCh38, 1-based): chr7:143,286,202, G>A. VCF-style: chr7-143286202-G-A. GRCh37 (hg19) VCF-style: chr7-142983295-G-A.
Other names: NC_000007.13:g.142983295G>A; c.245G>A, p.Arg82Gln (NM_001242773.2, NM_001242774.3, NM_001242775.3 and 2 more transcripts); short protein forms R82Q.
Identifiers: ClinVar variation 2658110 (VCV002658110.25), dbSNP rs146790657, ClinGen allele CA4536159.

ClinVar aggregate classification (germline): Likely benign (1 of 4 stars; one submission).

Allele frequency attached by ClinVar (database versions not stated): 1000 Genomes Project 0.00160; 1000 Genomes Project 30x 0.00172; ESP Exome Variant Server 0.00192; gnomAD 0.00234; ExAC 0.00240; gnomAD exomes 0.00251; TOPMed 0.00255.

Submissions (6):

CeGaT Center for Human Genetics Tuebingen
Classification: Likely benign. Last evaluated: 2022-11-01. Review status: criteria provided, single submitter. Criteria: CeGaT Center For Human Genetics Tuebingen Variant Classification Criteria Version 2. Collection method: clinical testing. Allele origin: germline. Affected: yes. Observed: 1 variant allele.
Comment: TMEM139: BP4, BS2

Dr. Peter K. Rogan Lab, Western University
No classification provided (evidence only). Condition: Papillary renal cell carcinoma type 1. Review status: no classification provided. Collection method: in vitro. Allele origin: not applicable. Functional consequence: retained intron. Not counted in ClinVar's aggregate classification.

Dr. Peter K. Rogan Lab, Western University
No classification provided (evidence only). Condition: Lung cancer. Review status: no classification provided. Collection method: in vitro. Allele origin: not applicable. Functional consequence: skipped exon. Not counted in ClinVar's aggregate classification.

Dr. Peter K. Rogan Lab, Western University
No classification provided (evidence only). Condition: Melanoma. Review status: no classification provided. Collection method: in vitro. Allele origin: not applicable. Functional consequence: retained intron. Not counted in ClinVar's aggregate classification.

Dr. Peter K. Rogan Lab, Western University
No classification provided (evidence only). Condition: Familial cancer of breast. Review status: no classification provided. Collection method: in vitro. Allele origin: not applicable. Functional consequence: retained intron. Not counted in ClinVar's aggregate classification.

Dr. Peter K. Rogan Lab, Western University
No classification provided (evidence only). Condition: Ovarian serous cystadenocarcinoma. Review status: no classification provided. Collection method: in vitro. Allele origin: not applicable. Functional consequence: retained intron. Not counted in ClinVar's aggregate classification.